The following is an entry in ClinVar:

ClinVar aggregate classification (germline): Uncertain significance (1 of 4 stars; one submission).

Conditions:
Hereditary cancer-predisposing syndrome. Also called: Neoplastic Syndromes, Hereditary; Tumor predisposition; Hereditary Cancer Syndrome; Hereditary neoplastic syndrome. Identifiers: Orphanet 140162, MedGen C0027672, MeSH D009386, MONDO:0015356.

Submission:

Ambry Genetics
Classification: Uncertain significance for Hereditary cancer-predisposing syndrome. Last evaluated: 2026-02-27. Review status: criteria provided, single submitter. Criteria: Ambry Variant Classification Scheme 2023. Collection method: clinical testing. Allele origin: germline.
Comment: The p.D798V variant (also known as c.2393A>T), located in coding exon 15 of the APC gene, results from an A to T substitution at nucleotide position 2393. The aspartic acid at codon 798 is replaced by valine, an amino acid with highly dissimilar properties. This amino acid position is conserved. In addition, in silico predictors for this gene do not accurately predict pathogenicity. Based on the available evidence, the clinical significance of this variant remains unclear.

NM_000038.6(APC):c.2393A>T (p.Asp798Val)

Gene: APC (APC regulator of Wnt signaling pathway; plus strand). Cytogenetic location: 5q22.2.
Variant type: single nucleotide variant.
Coding change: c.2393A>T on transcript NM_000038.6 (MANE Select); coding-DNA position 2393, A replaced by T.
Protein change: p.Asp798Val; replaces aspartic acid 798 with valine.
Molecular consequence: missense variant. On other transcripts: non-coding transcript variant (2).
Genome position (GRCh38, 1-based): chr5:112,837,987, A>T. VCF-style: chr5-112837987-A-T. GRCh37 (hg19) VCF-style: chr5-112173684-A-T.
Other names: c.2393A>T, p.Asp798Val (NM_001354895.2, NM_001127510.3, NM_001407450.1); c.2447A>T, p.Asp816Val (NM_001354896.2, NM_001407447.1, NM_001407448.1 and 1 more transcripts); c.2423A>T, p.Asp808Val (NM_001354897.2); c.2318A>T, p.Asp773Val (NM_001354898.2); c.2309A>T, p.Asp770Val (NM_001354899.2); c.2270A>T, p.Asp757Val (NM_001354900.2); c.2216A>T, p.Asp739Val (NM_001354901.2, NM_001407453.1); c.2339A>T, p.Asp780Val (NM_001127511.3); and 11 more; short protein forms D757V, D780V, D739V, D773V, D808V, D816V, D638V, D715V.
Identifiers: ClinVar variation 4827294 (VCV004827294.1).